The following is an entry in ClinVar:

NM_024570.4(RNASEH2B):c.505A>T (p.Lys169Ter)

Gene: RNASEH2B (ribonuclease H2 subunit B; plus strand). Cytogenetic location: 13q14.3.
Variant type: single nucleotide variant.
Coding change: c.505A>T on transcript NM_024570.4 (MANE Select); coding-DNA position 505, A replaced by T.
Protein change: p.Lys169Ter; replaces lysine 169 with a stop codon.
Molecular consequence: nonsense.
Genome position (GRCh38, 1-based): chr13:50,943,389, A>T. VCF-style: chr13-50943389-A-T. GRCh37 (hg19) VCF-style: chr13-51517525-A-T.
Other names: c.505A>T, p.Lys169Ter (NM_001142279.2, NM_001411023.1); short protein forms K169*.
Identifiers: ClinVar variation 5015497 (VCV005015497.1).

ClinVar aggregate classification (germline): Pathogenic (1 of 4 stars; one submission).

Conditions:
Aicardi-Goutieres syndrome 2. Identifiers: Orphanet 51, MedGen C3489724, MONDO:0012429, OMIM 610181.

Submission:

Myriad Genetics, Inc.
Classification: Pathogenic for Aicardi-Goutieres syndrome 2. Last evaluated: 2026-01-28. Review status: criteria provided, single submitter. Criteria: Myriad Autosomal Dominant, Autosomal Recessive and X-Linked Classification Criteria (2023). Collection method: clinical testing. Allele origin: unknown.
Comment: NM_024570.3(RNASEH2B):c.505A>T(K169*) is expected to be pathogenic in the context of Aicardi-Goutieres syndrome, RNASEH2B-related. This variant is predicted to lead to an abnormal or absent protein product due to the creation of a premature termination codon in RNASEH2B, a gene where loss-of-function variants are known to be pathogenic. Please note: this variant was assessed in the context of healthy population screening.